The following is an entry in ClinVar:

NM_000018.4(ACADVL):c.959dup (p.Asn321fs)

Gene: ACADVL (acyl-CoA dehydrogenase very long chain; plus strand). Cytogenetic location: 17p13.1.
Variant type: Duplication.
Coding change: c.959dup on transcript NM_000018.4 (MANE Select); coding-DNA position 959, one base duplicated (A; older notation c.959dupA).
Protein change: p.Asn321fs; shifts the reading frame from asparagine 321.
Molecular consequence: frameshift variant.
Genome position (GRCh38, 1-based): chr17:7,222,747, A duplicated. VCF-style (leftmost placement, unchanged base first): chr17-7222746-G-GA. GRCh37 (hg19) VCF-style: chr17-7126065-G-GA.
Other names: c.893dup, p.Asn299fs (NM_001033859.3); c.1028dup, p.Asn344fs (NM_001270447.2); c.731dup, p.Asn245fs (NM_001270448.2); short protein forms N245fs, N299fs, N321fs, N344fs.
Identifiers: ClinVar variation 2044727 (VCV002044727.4), dbSNP rs2508316951, ClinGen allele CA2580094768.

ClinVar aggregate classification (germline): Pathogenic (1 of 4 stars; one submission).

Conditions:
Very long chain acyl-CoA dehydrogenase deficiency (ACADVLD). Also called: VLCAD Deficiency; Very Long-Chain Acyl-Coenzyme A Dehydrogenase Deficiency. Identifiers: Orphanet 26793, MedGen C3887523, MONDO:0008723, OMIM 201475.

Submission:

Labcorp Genetics (formerly Invitae), Labcorp
Classification: Pathogenic for Very long chain acyl-CoA dehydrogenase deficiency. Last evaluated: 2021-12-17. Review status: criteria provided, single submitter. Criteria: Invitae Variant Classification Sherloc (09022015). Collection method: clinical testing. Allele origin: germline.
Comment: This sequence change creates a premature translational stop signal (p.Asn321Glufs*5) in the ACADVL gene. It is expected to result in an absent or disrupted protein product. Loss-of-function variants in ACADVL are known to be pathogenic (PMID: 9973285, 11590124). This variant is not present in population databases (gnomAD no frequency). This variant has not been reported in the literature in individuals affected with ACADVL-related conditions. For these reasons, this variant has been classified as Pathogenic.

Literature cited by the submitters: PubMed 9973285; PubMed 11590124.